The following is an entry in ClinVar:

NM_004612.4(TGFBR1):c.96G>A (p.Thr32=)

Gene: TGFBR1 (transforming growth factor beta receptor 1; plus strand). Cytogenetic location: 9q22.33.
Variant type: single nucleotide variant.
Coding change: c.96G>A on transcript NM_004612.4 (MANE Select); coding-DNA position 96, G replaced by A.
Protein change: p.Thr32=; no amino-acid change (threonine 32 retained).
Molecular consequence: synonymous variant. On other transcripts: 5 prime UTR variant (5), non-coding transcript variant (4), intron variant (8).
Genome position (GRCh38, 1-based): chr9:99,105,301, G>A. VCF-style: chr9-99105301-G-A. GRCh37 (hg19) VCF-style: chr9-101867583-G-A.
Other names: c.96G>A (NM_004612.2); c.96G>A, p.Thr32= (NM_001130916.3, NM_001306210.2, NM_001407416.1 and 5 more transcripts); c.-248G>A (NM_001407420.1, NM_001407429.1); c.-217G>A (NM_001407422.1, NM_001407426.1); c.-172G>A (NM_001407428.1); c.-111+1560G>A (NM_001407418.1, NM_001407423.1); c.-111+1195G>A (NM_001407424.1); c.-111+782G>A (NM_001407425.1); and 3 more.
Identifiers: ClinVar variation 3666639 (VCV003666639.3).

ClinVar aggregate classification (germline): Conflicting classifications of pathogenicity. Review status: criteria provided, conflicting classifications (1 of 4 stars). 2 submissions from 2 submitters: Uncertain significance (1); Likely benign (1). Last evaluated 2026-08-29.

Conditions:
Familial thoracic aortic aneurysm and aortic dissection (TAAD). Also called: Thoracic aortic aneurysms and dissections. Identifiers: Orphanet 91387, MedGen C4707243, MONDO:0019625.

gnomAD v4.1: 1 of 984,896 alleles (0.0001%); highest among the groups gnomAD compares: Non-Finnish European, 0.00012%; no homozygotes.

Submissions (2):

Ambry Genetics
Classification: Likely benign for Familial thoracic aortic aneurysm and aortic dissection. Last evaluated: 2026-08-29. Review status: criteria provided, single submitter. Criteria: Ambry Variant Classification Scheme 2023. Collection method: clinical testing. Allele origin: germline.

Labcorp Genetics (formerly Invitae), Labcorp
Classification: Uncertain significance for Familial thoracic aortic aneurysm and aortic dissection. Last evaluated: 2025-04-23. Review status: criteria provided, single submitter. Criteria: Invitae Variant Classification Sherloc (09022015). Collection method: clinical testing. Allele origin: germline.
Comment: This sequence change affects codon 32 of the TGFBR1 mRNA. It is a 'silent' change, meaning that it does not change the encoded amino acid sequence of the TGFBR1 protein. It affects a nucleotide within the consensus splice site. The frequency data for this variant in the population databases is considered unreliable, as metrics indicate insufficient coverage at this position in the gnomAD database. This variant has not been reported in the literature in individuals affected with TGFBR1-related conditions. ClinVar contains an entry for this variant (Variation ID: 3666639). Algorithms developed to predict the effect of sequence changes on RNA splicing suggest that this variant is not likely to affect RNA splicing. In summary, the available evidence is currently insufficient to determine the role of this variant in disease. Therefore, it has been classified as a Variant of Uncertain Significance.